The following is an entry in ClinVar:

ClinVar aggregate classification (germline): Conflicting classifications of pathogenicity. Review status: criteria provided, conflicting classifications (1 of 4 stars). 2 submissions from 2 submitters: Uncertain significance (1); Benign (1). Last evaluated 2025-05-27.

Conditions:
Tuberous sclerosis 2 (TSC2). Identifiers: Orphanet 805, MedGen C1860707, MONDO:0013199, OMIM 613254.
Hereditary cancer-predisposing syndrome. Also called: Tumor predisposition; Hereditary neoplastic syndrome; Neoplastic Syndromes, Hereditary; Hereditary Cancer Syndrome. Identifiers: Orphanet 140162, MedGen C0027672, MeSH D009386, MONDO:0015356.

gnomAD v4.1: 1 of 1,609,212 alleles (0.000062%); highest among the groups gnomAD compares: Non-Finnish European, 0.000085%; no homozygotes.

Submissions (2):

Ambry Genetics
Classification: Uncertain significance for Hereditary cancer-predisposing syndrome. Last evaluated: 2025-05-27. Review status: criteria provided, single submitter. Criteria: Ambry Variant Classification Scheme 2023. Collection method: clinical testing. Allele origin: germline.
Comment: The p.T1422N variant (also known as c.4265C>A), located in coding exon 33 of the TSC2 gene, results from a C to A substitution at nucleotide position 4265. The threonine at codon 1422 is replaced by asparagine, an amino acid with similar properties. This amino acid position is not well conserved in available vertebrate species. In addition, this alteration is predicted to be tolerated by in silico analysis. Based on the available evidence, the clinical significance of this variant remains unclear.

Labcorp Genetics (formerly Invitae), Labcorp
Classification: Benign for Tuberous sclerosis 2. Last evaluated: 2022-12-06. Review status: criteria provided, single submitter. Criteria: Invitae Variant Classification Sherloc (09022015). Collection method: clinical testing. Allele origin: germline.

NM_000548.5(TSC2):c.4265C>A (p.Thr1422Asn)

Gene: TSC2 (TSC complex subunit 2; plus strand). Cytogenetic location: 16p13.3.
Variant type: single nucleotide variant.
Coding change: c.4265C>A on transcript NM_000548.5 (MANE Select); coding-DNA position 4265, C replaced by A.
Protein change: p.Thr1422Asn; replaces threonine 1422 with asparagine.
Molecular consequence: missense variant.
Genome position (GRCh38, 1-based): chr16:2,084,487, C>A. VCF-style: chr16-2084487-C-A. GRCh37 (hg19) VCF-style: chr16-2134488-C-A.
Other names: c.4064C>A, p.Thr1355Asn (NM_001077183.3); c.4196C>A, p.Thr1399Asn (NM_001114382.3); c.3956C>A, p.Thr1319Asn (NM_001318827.2); c.3920C>A, p.Thr1307Asn (NM_001318829.2); c.3533C>A, p.Thr1178Asn (NM_001318831.2); c.4097C>A, p.Thr1366Asn (NM_001318832.2); c.4067C>A, p.Thr1356Asn (NM_001363528.2); c.4133C>A, p.Thr1378Asn (NM_001370404.1); and 1 more; short protein forms T1178N, T1355N, T1379N, T1307N, T1378N, T1319N, T1356N, T1366N.
Identifiers: ClinVar variation 1501629 (VCV001501629.11), dbSNP rs760230300, ClinGen allele CA276753382.